The following is an entry in ClinVar:

ClinVar aggregate classification (germline): Likely benign. Review status: criteria provided, multiple submitters, no conflicts (2 of 4 stars). 2 submissions from 2 submitters: Likely benign (2). Last evaluated 2026-02-16.

Conditions:
GP6-related disorder. Also called: GP6-related condition.

Allele frequency attached by ClinVar (database versions not stated): 1000 Genomes Project 30x 0.00016; gnomAD 0.00017; 1000 Genomes Project 0.00020; TOPMed 0.00029.
gnomAD v4.1: 344 of 1,614,118 alleles (0.021%); highest among the groups gnomAD compares: East Asian, 0.28%; 1 homozygote.

Submissions (2):

PreventionGenetics, part of Exact Sciences
Classification: Likely benign for GP6-related condition. Last evaluated: 2026-02-16. Review status: criteria provided, single submitter. Criteria: ACMG Guidelines, 2015. Collection method: clinical testing. Allele origin: germline.
Comment: This variant is classified as likely benign based on ACMG/AMP sequence variant interpretation guidelines (Richards et al. 2015 PMID: 25741868, with internal and published modifications).

Labcorp Genetics (formerly Invitae), Labcorp
Classification: Likely benign. Last evaluated: 2025-10-12. Review status: criteria provided, single submitter. Criteria: Invitae Variant Classification Sherloc (09022015). Collection method: clinical testing. Allele origin: germline.

NM_016363.5(GP6):c.*70G>A

Gene: GP6 (glycoprotein VI platelet; minus strand). Cytogenetic location: 19q13.42.
Variant type: single nucleotide variant.
Coding change: c.*70G>A on transcript NM_016363.5 (MANE Select); 70 bases downstream of the stop codon, G replaced by A.
Molecular consequence: 3 prime UTR variant. On other transcripts: missense variant (1).
Genome position (GRCh38, 1-based): chr19:55,014,851, C>T on the plus strand (G>A on the coding strand, the complement: GP6 is on the minus strand). VCF-style: chr19-55014851-C-T. GRCh37 (hg19) VCF-style: chr19-55526219-C-T.
Other names: c.1094G>A, p.Arg365His (NM_001083899.2); c.*70G>A (NM_001256017.2); short protein forms R365H.
Identifiers: ClinVar variation 2046892 (VCV002046892.5), dbSNP rs370477228, ClinGen allele CA310121555.